The following is an entry in ClinVar:

NM_003105.6(SORL1):c.6349G>A (p.Asp2117Asn)

Gene: SORL1 (sortilin related receptor 1; plus strand). Cytogenetic location: 11q24.1.
Variant type: single nucleotide variant.
Coding change: c.6349G>A on transcript NM_003105.6 (MANE Select); coding-DNA position 6349, G replaced by A.
Protein change: p.Asp2117Asn; replaces aspartic acid 2117 with asparagine.
Molecular consequence: missense variant.
Genome position (GRCh38, 1-based): chr11:121,625,262, G>A. VCF-style: chr11-121625262-G-A. GRCh37 (hg19) VCF-style: chr11-121495971-G-A.
Other names: c.6349G>A (NM_003105.5); short protein forms D2117N.
Identifiers: ClinVar variation 2903278 (VCV002903278.4), dbSNP rs144806633, ClinGen allele CA6330234.

ClinVar aggregate classification (germline): Uncertain significance. Review status: criteria provided, multiple submitters, no conflicts (2 of 4 stars). 2 submissions from 2 submitters: Uncertain significance (2). Last evaluated 2025-08-30.

Allele frequency attached by ClinVar (database versions not stated): ExAC 0.00001.
gnomAD v4.1: 16 of 1,612,854 alleles (0.00099%); highest among the groups gnomAD compares: East Asian, 0.0022%; no homozygotes.

Submissions (2):

Ambry Genetics
Classification: Uncertain significance. Last evaluated: 2025-08-30. Review status: criteria provided, single submitter. Criteria: Ambry Variant Classification Scheme 2023. Collection method: clinical testing. Allele origin: germline.

Labcorp Genetics (formerly Invitae), Labcorp
Classification: Uncertain significance. Last evaluated: 2023-03-01. Review status: criteria provided, single submitter. Criteria: Invitae Variant Classification Sherloc (09022015). Collection method: clinical testing. Allele origin: germline.
Comment: In summary, the available evidence is currently insufficient to determine the role of this variant in disease. Therefore, it has been classified as a Variant of Uncertain Significance. An algorithm developed to predict the effect of missense changes on protein structure and function (PolyPhen-2) suggests that this variant is likely to be tolerated. This variant has not been reported in the literature in individuals affected with SORL1-related conditions. This variant is present in population databases (rs144806633, gnomAD 0.003%). This sequence change replaces aspartic acid, which is acidic and polar, with asparagine, which is neutral and polar, at codon 2117 of the SORL1 protein (p.Asp2117Asn).